The following is an entry in ClinVar:

ClinVar aggregate classification (germline): Pathogenic (1 of 4 stars; one submission).

Conditions:
Salla disease (SD). Also called: Sialuria, Finnish type; N-acetylneuraminic acid (NANA) storage disease (NSD); Infantile sialic acid storage disorder (ISSD); Less Severe FSASD (Salla Disease). Identifiers: Orphanet 309334, Orphanet 834, MedGen C1096903, MONDO:0011449, OMIM 604369.

Submission:

Labcorp Genetics (formerly Invitae), Labcorp
Classification: Pathogenic for Salla disease. Last evaluated: 2023-03-14. Review status: criteria provided, single submitter. Criteria: Invitae Variant Classification Sherloc (09022015). Collection method: clinical testing. Allele origin: germline.
Comment: For these reasons, this variant has been classified as Pathogenic. This variant has not been reported in the literature in individuals affected with SLC17A5-related conditions. This variant is not present in population databases (gnomAD no frequency). This sequence change creates a premature translational stop signal (p.Cys362Trpfs*9) in the SLC17A5 gene. It is expected to result in an absent or disrupted protein product. Loss-of-function variants in SLC17A5 are known to be pathogenic (PMID: 10581036, 10947946, 15172001).

Literature cited by the submitters: PubMed 10581036; PubMed 10947946; PubMed 15172001.

NM_012434.5(SLC17A5):c.1086del (p.Cys362fs)

Gene: SLC17A5 (solute carrier family 17 member 5; minus strand). Cytogenetic location: 6q13.
Variant type: Deletion.
Coding change: c.1086del on transcript NM_012434.5 (MANE Select); coding-DNA position 1086, one base deleted (T; older notation c.1086delT).
Protein change: p.Cys362fs; shifts the reading frame from cysteine 362.
Molecular consequence: frameshift variant.
Genome position (GRCh38, 1-based): chr6:73,615,340, A deleted on the plus strand (T on the coding strand, the reverse complement: SLC17A5 is on the minus strand). VCF-style (leftmost placement, unchanged base first): chr6-73615339-CA-C. GRCh37 (hg19) VCF-style: chr6-74325062-CA-C.
Other names: c.855del, p.Cys285fs (NM_001382629.1); c.1086del, p.Cys362fs (NM_001382630.1, NM_001382633.1); c.1107del, p.Cys369fs (NM_001382631.1); c.999del, p.Cys333fs (NM_001382632.1); c.927del, p.Cys309fs (NM_001382634.1); c.1083del, p.Cys361fs (NM_001382635.1); c.768del, p.Cys256fs (NM_001382636.1); short protein forms C361fs, C256fs, C333fs, C362fs, C369fs, C285fs, C309fs.
Identifiers: ClinVar variation 2845673 (VCV002845673.3), dbSNP rs2533429249, ClinGen allele CA2739273238.
Genomic context (GRCh38, chr6:73,615,339, plus strand): 5'-CTGTAAACCAAAACAAAACCTGATTGCTTCACTTACCTATAAGGCTAAAAATTCTGCGAA[CA>C]CATAAAGTTGAAAAATTCCATTTTGCCCTTAAATTGTCAGCAGCTTGACCAGACAGGATC-3'